The following is an entry in ClinVar:

NM_001130823.3(DNMT1):c.2030A>G (p.Gln677Arg)

Gene: DNMT1 (DNA methyltransferase 1; minus strand). Cytogenetic location: 19p13.2.
Variant type: single nucleotide variant.
Coding change: c.2030A>G on transcript NM_001130823.3 (MANE Select); coding-DNA position 2030, A replaced by G.
Protein change: p.Gln677Arg; replaces glutamine 677 with arginine.
Molecular consequence: missense variant.
Genome position (GRCh38, 1-based): chr19:10,151,837, T>C on the plus strand (A>G on the coding strand, the complement: DNMT1 is on the minus strand). VCF-style: chr19-10151837-T-C. GRCh37 (hg19) VCF-style: chr19-10262513-T-C.
Other names: c.1982A>G, p.Gln661Arg (NM_001318730.2, NM_001379.4); c.2030A>G (LRG_362t1); c.1667A>G, p.Gln556Arg (NM_001318731.2); short protein forms Q677R, Q661R, Q556R.
Identifiers: ClinVar variation 571853 (VCV000571853.10), dbSNP rs1568232544, ClinGen allele CA403932132.

ClinVar aggregate classification (germline): Uncertain significance (1 of 4 stars; one submission).

Conditions:
Hereditary sensory neuropathy-deafness-dementia syndrome. Also called: NEUROPATHY, HEREDITARY SENSORY, WITH HEARING LOSS AND DEMENTIA; Hereditary sensory neuropathy type IE; HSN IE; Hereditary Sensory and Autonomic Neuropathy Type 1E (HSAN1E). Identifiers: Orphanet 456318, MedGen C3279885, MONDO:0013584, OMIM 614116.

Submission:

Labcorp Genetics (formerly Invitae), Labcorp
Classification: Uncertain significance for Hereditary sensory neuropathy-deafness-dementia syndrome. Last evaluated: 2019-05-29. Review status: criteria provided, single submitter. Criteria: Invitae Variant Classification Sherloc (09022015). Collection method: clinical testing. Allele origin: germline.
Comment: This sequence change replaces glutamine with arginine at codon 677 of the DNMT1 protein (p.Gln677Arg). The glutamine residue is moderately conserved and there is a small physicochemical difference between glutamine and arginine. This variant has not been reported in the literature in individuals with DNMT1-related disease. Algorithms developed to predict the effect of missense changes on protein structure and function output the following: SIFT: "Tolerated"; PolyPhen-2: "Benign"; Align-GVGD: "Class C0". The arginine amino acid residue is found in multiple mammalian species, suggesting that this missense change does not adversely affect protein function. These predictions have not been confirmed by published functional studies and their clinical significance is uncertain. In summary, the available evidence is currently insufficient to determine the role of this variant in disease. Therefore, it has been classified as a Variant of Uncertain Significance. This variant is not present in population databases (ExAC no frequency).